The following is an entry in ClinVar:

ClinVar aggregate classification (germline): Uncertain significance. Review status: criteria provided, multiple submitters, no conflicts (2 of 4 stars). 11 submissions from 11 submitters: Uncertain significance (10). 1 of the submissions does not count toward it. Last evaluated 2026-01-26.

Conditions:
Cardiovascular phenotype. Identifiers: MedGen CN230736.
Cardiomyopathy (CMYO). Also called: Cardiomyopathies. Identifiers: Orphanet 167848, MedGen C0878544, MONDO:0004994, HP:0001638. Inheritance: Various modes of inheritance.
Primary familial hypertrophic cardiomyopathy (HCM). Identifiers: Orphanet 99739, MedGen C0949658, MeSH D024741, MONDO:0024573. Inheritance: Various modes of inheritance.
Hypertrophic cardiomyopathy. Also called: HYPERTROPHIC MYOCARDIOPATHY. Identifiers: Orphanet 217569, MedGen C0007194, MeSH D002312, MONDO:0005045, HP:0001639.

Allele frequency attached by ClinVar (database versions not stated): gnomAD 0.00002; TOPMed 0.00005; gnomAD exomes 0.00006; ExAC 0.00007; ESP Exome Variant Server 0.00008.
gnomAD v4.1: 65 of 1,612,386 alleles (0.004%); highest among the groups gnomAD compares: Non-Finnish European, 0.0049%; no homozygotes.

Submissions (11):

Labcorp Genetics (formerly Invitae), Labcorp
Classification: Uncertain significance for Hypertrophic cardiomyopathy. Last evaluated: 2026-01-26. Review status: criteria provided, single submitter. Criteria: Invitae Variant Classification Sherloc (09022015). Collection method: clinical testing. Allele origin: germline.
Comment: This sequence change replaces glycine, which is neutral and non-polar, with serine, which is neutral and polar, at codon 1101 of the MYH7 protein (p.Gly1101Ser). This variant is present in population databases (rs367546859, gnomAD 0.009%). This missense change has been observed in individual(s) with hypertrophic cardiomyopathy and/or idiopathic ventricular fibrillation (PMID: 22455086, 28087426, 32481709, 37466024). ClinVar contains an entry for this variant (Variation ID: 161325). Invitae Evidence Modeling of protein sequence and biophysical properties (such as structural, functional, and spatial information, amino acid conservation, physicochemical variation, residue mobility, and thermodynamic stability) indicates that this missense variant is not expected to disrupt MYH7 protein function with a negative predictive value of 95%. In summary, the available evidence is currently insufficient to determine the role of this variant in disease. Therefore, it has been classified as a Variant of Uncertain Significance.

Revvity Omics, Revvity
Classification: Uncertain significance. Last evaluated: 2025-08-08. Review status: criteria provided, single submitter. Criteria: ACMG Guidelines, 2015. Collection method: clinical testing. Allele origin: germline.

Color Diagnostics, LLC DBA Color Health
Classification: Uncertain significance for Cardiomyopathy. Last evaluated: 2025-02-10. Review status: criteria provided, single submitter. Criteria: ACMG Guidelines, 2015. Collection method: clinical testing. Allele origin: germline.
Comment: This missense variant replaces glycine with serine at codon 1101 of the MYH7 protein. Computational prediction suggests that this variant may not impact protein structure and function. To our knowledge, functional studies have not been performed for this variant. This variant has been reported in an individual affected with hypertrophic cardiomyopathy (PMID: 22455086). This variant has been identified in 15/251430 chromosomes in the general population by the Genome Aggregation Database (gnomAD). The available evidence is insufficient to determine the role of this variant in disease conclusively. Therefore, this variant is classified as a Variant of Uncertain Significance.

Blueprint Genetics
Classification: Uncertain significance. Last evaluated: 2024-10-03. Review status: criteria provided, single submitter. Criteria: ACMG Guidelines, 2015. Collection method: clinical testing. Allele origin: germline.

All of Us Research Program, National Institutes of Health
Classification: Uncertain significance for Cardiomyopathy. Last evaluated: 2024-07-29. Review status: criteria provided, single submitter. Criteria: ACMG Guidelines, 2015. Collection method: clinical testing. Allele origin: germline. Inheritance: Autosomal dominant inheritance. Observed: 29 variant alleles, 29 heterozygotes.
Comment: This missense variant replaces glycine with serine at codon 1101 of the MYH7 protein. Computational prediction suggests that this variant may not impact protein structure and function (internally defined REVEL score threshold <= 0.5, PMID: 27666373). To our knowledge, functional studies have not been performed for this variant. This variant has been reported in an individual affected with hypertrophic cardiomyopathy (PMID: 22455086). This variant has been identified in 15/251430 chromosomes in the general population by the Genome Aggregation Database (gnomAD). The available evidence is insufficient to determine the role of this variant in disease conclusively. Therefore, this variant is classified as a Variant of Uncertain Significance.

This study involves interpretation of variants in research participants for the purpose of population health screening. Participant phenotype was not available at the time of variant classification. Additional details can be found in publication PMID: 35346344, PMCID: PMC8962531

Ambry Genetics
Classification: Uncertain significance for Cardiovascular phenotype. Last evaluated: 2024-01-30. Review status: criteria provided, single submitter. Criteria: Ambry Variant Classification Scheme 2023. Collection method: clinical testing. Allele origin: germline.
Comment: The p.G1101S variant (also known as c.3301G>A), located in coding exon 24 of the MYH7 gene, results from a G to A substitution at nucleotide position 3301. The glycine at codon 1101 is replaced by serine, an amino acid with similar properties. This variant has been reported in one individual with hypertrophic cardiomyopathy (HCM) and in an individual with idiopathic ventricular fibrillation who also had additional cardiac variant(s) (Curila K et al. Acta Cardiol, 2012 Feb;67:23-9; Visser M et al. Heart Rhythm, 2017 07;14:1035-1040). This variant was detected in a cardiomyopathy genetic testing cohort; however, clinical details were limited, and additional cardiac variants were detected in some cases (van Lint FHM et al. Neth Heart J, 2019 Jun;27:304-309). This variant has also been seen in exome cohorts, but cardiovascular history was not provided (Andreasen C et al. Eur. J. Hum. Genet., 2013 Sep;21:918-28; Amendola LM et al. Genome Res., 2015 Mar;25:305-15). This amino acid position is not well conserved in available vertebrate species. In addition, the in silico prediction for this alteration is inconclusive. Since supporting evidence is limited at this time, the clinical significance of this alteration remains unclear.

GeneDx
Classification: Uncertain significance. Last evaluated: 2023-11-30. Review status: criteria provided, single submitter. Criteria: GeneDx Variant Classification Process June 2021. Collection method: clinical testing. Allele origin: germline. Affected: yes.
Comment: Reported in association with HCM, DCM, ARVC, and idiopathic ventricular fibrillation; however, detailed clinical information and segregation data were not provided (PMID: 22455086, 28087426, 30847666, 32481709, 35653365, 37466024); In silico analysis supports that this missense variant does not alter protein structure/function; This variant is associated with the following publications: (PMID: 28087426, 25637381, 23299917, 32481709, 35629155, 30847666, 37466024, 35653365, 22455086)

Women's Health and Genetics/Laboratory Corporation of America, LabCorp
Classification: Uncertain significance. Last evaluated: 2021-07-27. Review status: criteria provided, single submitter. Criteria: LabCorp Variant Classification Summary - May 2015. Collection method: clinical testing. Allele origin: germline.
Comment: Variant summary: MYH7 c.3301G>A (p.Gly1101Ser) results in a non-conservative amino acid change located in the Myosin tail domain (IPR002928) of the encoded protein sequence. Four of five in-silico tools predict a benign effect of the variant on protein function. The variant allele was found at a frequency of 6e-05 in 251630 control chromosomes (gnomAD and publication data). This frequency is not significantly higher than expected for a pathogenic variant in MYH7 causing Cardiomyopathy (6e-05 vs 0.0013), allowing no conclusion about variant significance. c.3301G>A has been reported in the literature in individuals affected with Hypertrophic cardiomyopathy and Idiopathic ventricular fibrillation (Curila_2012, Visser_2017, Magri_2020). These reports do not provide unequivocal conclusions about association of the variant with Cardiomyopathy. To our knowledge, no experimental evidence demonstrating an impact on protein function has been reported. Six ClinVar submitters (evaluation after 2014) cite the variant as uncertain significance. Based on the evidence outlined above, the variant was classified as uncertain significance.

Laboratory for Molecular Medicine, Mass General Brigham Personalized Medicine
Classification: Uncertain significance. Last evaluated: 2016-04-25. Review status: criteria provided, single submitter. Criteria: LMM Criteria. Collection method: clinical testing. Allele origin: germline.
Comment: Variant identified in a genome or exome case(s) and assessed due to predicted null impact of the variant or pathogenic assertions in the literature or databases. Disclaimer: This variant has not undergone full assessment. The following are preliminary notes: 1 report, no segs; ExAC: 1/8654 East Asian chromosomes

Molecular Diagnostic Laboratory for Inherited Cardiovascular Disease, Montreal Heart Institute
Classification: Uncertain significance for Primary familial hypertrophic cardiomyopathy. Review status: criteria provided, single submitter. Criteria: ACMG Guidelines, 2015. Collection method: clinical testing. Allele origin: germline. Affected: yes.

CSER _CC_NCGL, University of Washington
Classification: Uncertain significance for Cardiomyopathy, hypertrophic. Last evaluated: 2014-06-01. Review status: no assertion criteria provided. Collection method: research. Allele origin: germline. Inheritance: Autosomal dominant inheritance. Study: ESP 6500 variant annotation. Not counted in ClinVar's aggregate classification.
Comment: Variants classified for the Actionable exomic incidental findings in 6503 participants: challenges of variant classification manuscript

Literature cited by the submitters: PubMed 22455086 (cited by 5 submitters); PubMed 28087426 (cited by 3 submitters); PubMed 32481709 (cited by Labcorp Genetics (formerly Invitae), Labcorp and Women's Health and Genetics/Laboratory Corporation of America, LabCorp); PubMed 37466024 (cited by Labcorp Genetics (formerly Invitae), Labcorp); PubMed 23299917 (cited by Ambry Genetics and Women's Health and Genetics/Laboratory Corporation of America, LabCorp); PubMed 25637381 (cited by Ambry Genetics and Women's Health and Genetics/Laboratory Corporation of America, LabCorp); PubMed 29420653 (cited by Ambry Genetics and Women's Health and Genetics/Laboratory Corporation of America, LabCorp); PubMed 30847666 (cited by Ambry Genetics); PubMed 27318203 (cited by Women's Health and Genetics/Laboratory Corporation of America, LabCorp); PubMed 25125180 (cited by Women's Health and Genetics/Laboratory Corporation of America, LabCorp); PubMed 29773157 (cited by Women's Health and Genetics/Laboratory Corporation of America, LabCorp).

NM_000257.4(MYH7):c.3301G>A (p.Gly1101Ser)

Gene: MYH7 (myosin heavy chain 7; minus strand). Cytogenetic location: 14q11.2.
Variant type: single nucleotide variant.
Coding change: c.3301G>A on transcript NM_000257.4 (MANE Select); coding-DNA position 3301, G replaced by A.
Protein change: p.Gly1101Ser; replaces glycine 1101 with serine.
Molecular consequence: missense variant.
Genome position (GRCh38, 1-based): chr14:23,420,993, C>T on the plus strand (G>A on the coding strand, the complement: MYH7 is on the minus strand). VCF-style: chr14-23420993-C-T. GRCh37 (hg19) VCF-style: chr14-23890202-C-T.
Other names: short protein forms G1101S.
Identifiers: ClinVar variation 161325 (VCV000161325.46), dbSNP rs367546859, ClinGen allele CA013562.